The following is an entry in ClinVar:

NM_152517.3(IFT70B):c.176A>G (p.Gln59Arg)

Gene: IFT70B (intraflagellar transport 70B; minus strand). Cytogenetic location: 2q31.2.
Variant type: single nucleotide variant.
Coding change: c.176A>G on transcript NM_152517.3 (MANE Select); coding-DNA position 176, A replaced by G.
Protein change: p.Gln59Arg; replaces glutamine 59 with arginine.
Molecular consequence: missense variant.
Genome position (GRCh38, 1-based): chr2:177,552,588, T>C on the plus strand (A>G on the coding strand, the complement: IFT70B is on the minus strand). VCF-style: chr2-177552588-T-C. GRCh37 (hg19) VCF-style: chr2-178417316-T-C.
Other names: short protein forms Q59R.
Identifiers: ClinVar variation 4279754 (VCV004279754.1).

ClinVar aggregate classification (germline): Uncertain significance (1 of 4 stars; one submission).

Conditions:
Synpolydactyly. Also called: Syndactyly type 2. Identifiers: Orphanet 93403, MedGen C2699746, MONDO:0021651.

gnomAD v4.1: 1 of 1,596,906 alleles (0.000063%); highest among the groups gnomAD compares: Non-Finnish European, 0.000085%; no homozygotes.

Submission:

Clinical Genomics Laboratory, Washington University in St. Louis
Classification: Uncertain significance for synpolydactyly. Last evaluated: 2025-04-18. Review status: criteria provided, single submitter. Criteria: ACMG Guidelines, 2015. Collection method: clinical testing. Allele origin: germline.
Comment: The TTC30B c.176A>G (p.Gln59Arg) variant, to our knowledge, has not been reported in the medical literature. This variant is absent from the general population (gnomAD v.2.1.1), indicating it is not a common variant. Computational predictors suggest that the variant is damaging, evidence that correlates with impact to TTC308 function. Due to limited information, the clinical significance of this variant is uncertain.